The following is an entry in ClinVar:

ClinVar aggregate classification (germline): Conflicting classifications of pathogenicity. Review status: criteria provided, conflicting classifications (1 of 4 stars). 4 submissions from 4 submitters: Uncertain significance (1); Likely benign (2). 1 of the submissions does not count toward it. Last evaluated 2026-01-27.

Conditions:
SYNE1-related disorder. Also called: SYNE1-related disorders; SYNE1-related disease; SYNE1-related condition.
Autosomal recessive ataxia, Beauce type. Also called: Spinocerebellar ataxia, autosomal recessive 8; ATAXIA, RECESSIVE, OF BEAUCE; SYNE1 Deficiency; SYNE1-Related Autosomal Recessive Cerebellar Ataxia. Identifiers: Orphanet 88644, MedGen C1853116, MONDO:0012549, OMIM 610743.
Emery-Dreifuss muscular dystrophy 4, autosomal dominant (EDMD4). Also called: EMERY-DREIFUSS MUSCULAR DYSTROPHY 4 WITH VARIABLE FEATURES. Identifiers: Orphanet 261, MedGen C2751807, MONDO:0013071, OMIM 612998.

Allele frequency attached by ClinVar (database versions not stated): ExAC 0.00035; gnomAD 0.00096 and 0.00101; TOPMed 0.00101; ESP Exome Variant Server 0.00115; 1000 Genomes Project 0.00200; 1000 Genomes Project 30x 0.00203; gnomAD exomes 0.00008 and 0.00024.
gnomAD v4.1: 276 of 1,614,182 alleles (0.017%); highest among the groups gnomAD compares: African/African-American, 0.32%; 1 homozygote.

Submissions (4):

Labcorp Genetics (formerly Invitae), Labcorp
Classification: Likely benign for Emery-Dreifuss muscular dystrophy 4, autosomal dominant; Autosomal recessive ataxia, Beauce type. Last evaluated: 2026-01-27. Review status: criteria provided, single submitter. Criteria: Invitae Variant Classification Sherloc (09022015). Collection method: clinical testing. Allele origin: germline.

Athena Diagnostics
Classification: Likely benign. Last evaluated: 2024-08-06. Review status: criteria provided, single submitter. Criteria: Athena Diagnostics Criteria. Collection method: clinical testing. Allele origin: unknown.

Eurofins Ntd Llc (ga)
Classification: Uncertain significance. Last evaluated: 2018-07-03. Review status: criteria provided, single submitter. Criteria: EGL ClinVar v180209 classification definitions. Collection method: clinical testing. Allele origin: germline. Observed: 8 variant alleles, 8 heterozygotes.

PreventionGenetics, part of Exact Sciences
Classification: Likely benign for SYNE1-related condition. Last evaluated: 2022-06-27. Review status: no assertion criteria provided. Collection method: clinical testing. Allele origin: germline. Not counted in ClinVar's aggregate classification.
Comment: This variant is classified as likely benign based on ACMG/AMP sequence variant interpretation guidelines (Richards et al. 2015 PMID: 25741868, with internal and published modifications).

NM_182961.4(SYNE1):c.6484A>T (p.Ser2162Cys)

Gene: SYNE1 (spectrin repeat containing nuclear envelope protein 1; minus strand). Cytogenetic location: 6q25.2.
Variant type: single nucleotide variant.
Coding change: c.6484A>T on transcript NM_182961.4 (MANE Select); coding-DNA position 6484, A replaced by T.
Protein change: p.Ser2162Cys; replaces serine 2162 with cysteine.
Molecular consequence: missense variant.
Genome position (GRCh38, 1-based): chr6:152,409,124, T>A on the plus strand (A>T on the coding strand, the complement: SYNE1 is on the minus strand). VCF-style: chr6-152409124-T-A. GRCh37 (hg19) VCF-style: chr6-152730259-T-A.
Other names: c.6505A>T, p.Ser2169Cys (NM_033071.5); short protein forms S2169C, S2162C.
Identifiers: ClinVar variation 285723 (VCV000285723.20), dbSNP rs144435836, ClinGen allele CA4058061.